The following is an entry in ClinVar:

ClinVar aggregate classification (germline): Uncertain significance. Review status: criteria provided, multiple submitters, no conflicts (2 of 4 stars). 2 submissions from 2 submitters: Uncertain significance (2). Last evaluated 2021-09-02.

Conditions:
Inborn genetic diseases. Identifiers: MedGen C0950123, MeSH D030342.
Developmental and epileptic encephalopathy. Identifiers: MedGen C5779964, MONDO:0100620.

Allele frequency attached by ClinVar (database versions not stated): gnomAD 0.00001; TOPMed 0.00001.
gnomAD v4.1: 17 of 1,614,014 alleles (0.0011%); highest among the groups gnomAD compares: Non-Finnish European, 0.00093%; no homozygotes.

Submissions (2):

Labcorp Genetics (formerly Invitae), Labcorp
Classification: Uncertain significance for Early-infantile DEE. Last evaluated: 2021-09-02. Review status: criteria provided, single submitter. Criteria: Invitae Variant Classification Sherloc (09022015). Collection method: clinical testing. Allele origin: germline.
Comment: This sequence change replaces glutamic acid with lysine at codon 316 of the ST3GAL3 protein (p.Glu316Lys). The glutamic acid residue is moderately conserved and there is a small physicochemical difference between glutamic acid and lysine. This variant is present in population databases (rs770661277, ExAC 0.001%). This variant has not been reported in the literature in individuals affected with ST3GAL3-related conditions. Algorithms developed to predict the effect of missense changes on protein structure and function are either unavailable or do not agree on the potential impact of this missense change (SIFT: "Tolerated"; PolyPhen-2: "Possibly Damaging"; Align-GVGD: "Class C0"). In summary, the available evidence is currently insufficient to determine the role of this variant in disease. Therefore, it has been classified as a Variant of Uncertain Significance.

Ambry Genetics
Classification: Uncertain significance for Inborn genetic diseases. Last evaluated: 2019-02-22. Review status: criteria provided, single submitter. Criteria: Ambry Variant Classification Scheme 2023. Collection method: clinical testing. Allele origin: germline.
Comment: The p.E316K variant (also known as c.946G>A), located in coding exon 10 of the ST3GAL3 gene, results from a G to A substitution at nucleotide position 946. The glutamic acid at codon 316 is replaced by lysine, an amino acid with similar properties. This amino acid position is highly conserved in available vertebrate species. In addition, the in silico prediction for this alteration is inconclusive. Since supporting evidence is limited at this time, the clinical significance of this alteration remains unclear.

NM_006279.5(ST3GAL3):c.946G>A (p.Glu316Lys)

Gene: ST3GAL3 (ST3 beta-galactoside alpha-2,3-sialyltransferase 3; plus strand). Cytogenetic location: 1p34.1.
Variant type: single nucleotide variant.
Coding change: c.946G>A on transcript NM_006279.5 (MANE Select); coding-DNA position 946, G replaced by A.
Protein change: p.Glu316Lys; replaces glutamic acid 316 with lysine.
Molecular consequence: missense variant. On other transcripts: non-coding transcript variant (6), intron variant (11).
Genome position (GRCh38, 1-based): chr1:43,920,836, G>A. VCF-style: chr1-43920836-G-A. GRCh37 (hg19) VCF-style: chr1-44386508-G-A.
Other names: c.856G>A, p.Glu286Lys (NM_001270459.2); c.853G>A, p.Glu285Lys (NM_001270460.2); c.991G>A, p.Glu331Lys (NM_001350619.2, NM_174964.4); c.946G>A, p.Glu316Lys (NM_001350620.2); c.667G>A, p.Glu223Lys (NM_001350621.2); c.1153G>A, p.Glu385Lys (NM_174963.5); c.1108G>A, p.Glu370Lys (NM_174968.5); c.898G>A, p.Glu300Lys (NM_174969.4); and 12 more; short protein forms E285K, E331K, E354K, E370K, E385K, E223K, E286K, E300K.
Identifiers: ClinVar variation 1357838 (VCV001357838.8), dbSNP rs770661277, ClinGen allele CA814852.
Genomic context (GRCh38, chr1:43,920,836, plus strand): 5'-TTCTAGAACATCCCTACCCTTGGCAGTGTGGCAGTGACCATGGCACTACACGGCTGTGAC[G>A]AGGTGGCAGTCGCAGGATTTGGCTATGACATGAGCACACCCAACGCACCCCTGCACTACT-3'
Protein context (NP_006270.1, residues 306-326): AVTMALHGCD[Glu316Lys]VAVAGFGYDM